The following is an entry in ClinVar:

ClinVar aggregate classification (germline): Uncertain significance (1 of 4 stars; one submission).

Submission:

Labcorp Genetics (formerly Invitae), Labcorp
Classification: Uncertain significance. Last evaluated: 2025-01-26. Review status: criteria provided, single submitter. Criteria: Invitae Variant Classification Sherloc (09022015). Collection method: clinical testing. Allele origin: germline.
Comment: This sequence change replaces leucine, which is neutral and non-polar, with proline, which is neutral and non-polar, at codon 776 of the HK1 protein (p.Leu776Pro). This variant is not present in population databases (gnomAD no frequency). This variant has not been reported in the literature in individuals affected with HK1-related conditions. Invitae Evidence Modeling of protein sequence and biophysical properties (such as structural, functional, and spatial information, amino acid conservation, physicochemical variation, residue mobility, and thermodynamic stability) has been performed for this missense variant. However, the output from this modeling did not meet the statistical confidence thresholds required to predict the impact of this variant on HK1 protein function. In summary, the available evidence is currently insufficient to determine the role of this variant in disease. Therefore, it has been classified as a Variant of Uncertain Significance.

NM_000188.3(HK1):c.2327T>C (p.Leu776Pro)

Gene: HK1 (hexokinase 1; plus strand). Cytogenetic location: 10q22.1.
Variant type: single nucleotide variant.
Coding change: c.2327T>C on transcript NM_000188.3 (MANE Select); coding-DNA position 2327, T replaced by C.
Protein change: p.Leu776Pro; replaces leucine 776 with proline.
Molecular consequence: missense variant.
Genome position (GRCh38, 1-based): chr10:69,395,057, T>C. VCF-style: chr10-69395057-T-C. GRCh37 (hg19) VCF-style: chr10-71154813-T-C.
Other names: c.2339T>C, p.Leu780Pro (NM_001322364.2, NM_001358263.1, NM_033497.3 and 1 more transcripts); c.2432T>C, p.Leu811Pro (NM_001322365.2); c.2243T>C, p.Leu748Pro (NM_001322366.1); c.2231T>C, p.Leu744Pro (NM_001322367.1); c.2324T>C, p.Leu775Pro (NM_033496.3); c.2291T>C, p.Leu764Pro (NM_033500.2); short protein forms L744P, L748P, L764P, L775P, L776P, L780P, L811P.
Identifiers: ClinVar variation 3666705 (VCV003666705.2).